The following is an entry in ClinVar:

NM_014915.3(ANKRD26):c.2573G>A (p.Arg858Gln)

Gene: ANKRD26 (ankyrin repeat domain 26; minus strand). Cytogenetic location: 10p12.1.
Variant type: single nucleotide variant.
Coding change: c.2573G>A on transcript NM_014915.3 (MANE Select); coding-DNA position 2573, G replaced by A.
Protein change: p.Arg858Gln; replaces arginine 858 with glutamine.
Molecular consequence: missense variant.
Genome position (GRCh38, 1-based): chr10:27,037,310, C>T on the plus strand (G>A on the coding strand, the complement: ANKRD26 is on the minus strand). VCF-style: chr10-27037310-C-T. GRCh37 (hg19) VCF-style: chr10-27326239-C-T.
Other names: c.2570G>A, p.Arg857Gln (NM_001256053.2); short protein forms R857Q, R858Q.
Identifiers: ClinVar variation 2883852 (VCV002883852.4), dbSNP rs999645398, ClinGen allele CA204450631.

ClinVar aggregate classification (germline): Uncertain significance. Review status: criteria provided, multiple submitters, no conflicts (2 of 4 stars). 2 submissions from 2 submitters: Uncertain significance (2). Last evaluated 2025-06-15.

Conditions:
Inborn genetic diseases. Identifiers: MedGen C0950123, MeSH D030342.

Allele frequency attached by ClinVar (database versions not stated): gnomAD 0.00003; TOPMed 0.00003.
gnomAD v4.1: 31 of 1,613,662 alleles (0.0019%); highest among the groups gnomAD compares: African/African-American, 0.0053%; no homozygotes.

Submissions (2):

Labcorp Genetics (formerly Invitae), Labcorp
Classification: Uncertain significance. Last evaluated: 2025-06-15. Review status: criteria provided, single submitter. Criteria: Invitae Variant Classification Sherloc (09022015). Collection method: clinical testing. Allele origin: germline.
Comment: This sequence change replaces arginine, which is basic and polar, with glutamine, which is neutral and polar, at codon 858 of the ANKRD26 protein (p.Arg858Gln). The frequency data for this variant in the population databases is considered unreliable, as metrics indicate poor data quality at this position in the gnomAD database. This variant has not been reported in the literature in individuals affected with ANKRD26-related conditions. ClinVar contains an entry for this variant (Variation ID: 2883852). An algorithm developed to predict the effect of missense changes on protein structure and function outputs the following: PolyPhen-2: "Benign". The glutamine amino acid residue is found in multiple mammalian species, which suggests that this missense change does not adversely affect protein function. In summary, the available evidence is currently insufficient to determine the role of this variant in disease. Therefore, it has been classified as a Variant of Uncertain Significance.

Ambry Genetics
Classification: Uncertain significance for Inborn genetic diseases. Last evaluated: 2024-12-08. Review status: criteria provided, single submitter. Criteria: Ambry Variant Classification Scheme 2023. Collection method: clinical testing. Allele origin: germline.
Comment: The p.R858Q variant (also known as c.2573G>A), located in coding exon 23 of the ANKRD26 gene, results from a G to A substitution at nucleotide position 2573. The arginine at codon 858 is replaced by glutamine, an amino acid with highly similar properties. This amino acid position is conserved. In addition, this alteration is predicted to be tolerated by in silico analysis. Based on the available evidence, the clinical significance of this variant remains unclear.